The following is an entry in ClinVar:

ClinVar aggregate classification (germline): Conflicting classifications of pathogenicity. Review status: criteria provided, conflicting classifications (1 of 4 stars). 9 submissions from 9 submitters: Uncertain significance (3); Likely benign (3). 3 of the submissions do not count toward it. Last evaluated 2026-01-23.

Conditions:
LMF1-related disorder. Also called: LMF1-related condition.
Cardiovascular phenotype. Identifiers: MedGen CN230736.
Lipase deficiency, combined. Also called: LIPOPROTEIN LIPASE DEFICIENCY WITH HEPATIC TRIGLYCERIDE LIPASE DEFICIENCY; LPL AND HL DEFICIENCY; LPL AND HTGL DEFICIENCY. Identifiers: Orphanet 535453, MedGen C1855498, MONDO:0009527, OMIM 246650.

Allele frequency attached by ClinVar (database versions not stated): gnomAD 0.00044 and 0.00046; gnomAD exomes 0.00045 and 0.00087; TOPMed 0.00053; ESP Exome Variant Server 0.00056; 1000 Genomes Project 0.00060; 1000 Genomes Project 30x 0.00078; ExAC 0.00092.
gnomAD v4.1: 778 of 1,612,032 alleles (0.048%); highest among the groups gnomAD compares: Middle Eastern, 0.61%; 3 homozygotes.

Submissions (9):

Labcorp Genetics (formerly Invitae), Labcorp
Classification: Likely benign. Last evaluated: 2026-01-23. Review status: criteria provided, single submitter. Criteria: Invitae Variant Classification Sherloc (09022015). Collection method: clinical testing. Allele origin: germline.

PreventionGenetics, part of Exact Sciences
Classification: Uncertain significance for LMF1-related condition. Last evaluated: 2025-06-20. Review status: criteria provided, single submitter. Criteria: ACMG Guidelines, 2015. Collection method: clinical testing. Allele origin: germline.
Comment: The LMF1 c.1405G>A variant is predicted to result in the amino acid substitution p.Ala469Thr. This variant has been reported in individuals with hypertriglyceridemia or individuals with dyslipidemia, but has also been seen in unaffected individuals including one individual with the homozygous state (See for example, Table S1, Johansen et al. 2012. PubMed ID: 22135386; Table S3, Dong et al. 2022. PubMed ID: 35460704; Table S7, Abouelhoda et al. 2016. PubMed ID: 27884173). This variant is reported in 0.61% of alleles in individuals of Ashkenazi Jewish descent in gnomAD, and has been seen in three homozygotes in gnomAD v4 (available only on GRCh38), which may be too frequent to be a primary cause of disease. Although we suspect this variant may be benign, at this time, the clinical significance of this variant is uncertain due to the absence of conclusive functional and genetic evidence.

Molecular Diagnostic Laboratory for Inherited Cardiovascular Disease, Montreal Heart Institute
Classification: Likely benign. Last evaluated: 2025-04-09. Review status: criteria provided, single submitter. Criteria: ACMG Guidelines, 2015. Collection method: clinical testing. Allele origin: germline. Affected: no.

GeneDx
Classification: Uncertain significance. Last evaluated: 2024-01-26. Review status: criteria provided, single submitter. Criteria: GeneDx Variant Classification Process June 2021. Collection method: clinical testing. Allele origin: germline. Affected: yes.
Comment: Identified as a heterozygous variant in patients with hypertriglyceridemia in the literature; however, detailed clinical information was not provided and a second LMF1 variant was not reported in most cases (PMID: 22135386, 32041611, 33111339, 35460704, 36613909); In silico analysis supports that this missense variant has a deleterious effect on protein structure/function; This variant is associated with the following publications: (PMID: 27884173, 33111339, 32041611, 22135386, 31619059, 35460704, 36613909)

New York Genome Center
Classification: Uncertain significance for Lipase deficiency, combined. Last evaluated: 2023-04-03. Review status: criteria provided, single submitter. Criteria: NYGC Assertion Criteria 2020. Collection method: clinical testing. Allele origin: germline. Observed: 5 heterozygotes. Clinical features observed: Hyperlipidemia (HP:0003077), Diabetes mellitus (HP:0000819), Coronary artery atherosclerosis (HP:0001677), Type 2 diabetes mellitus (HP:0005978).

Ambry Genetics
Classification: Likely benign for Cardiovascular phenotype. Last evaluated: 2021-06-16. Review status: criteria provided, single submitter. Criteria: Ambry Variant Classification Scheme 2023. Collection method: clinical testing. Allele origin: germline.

Clinical Genetics DNA and cytogenetics Diagnostics Lab, Erasmus MC, Erasmus Medical Center
Classification: Uncertain significance. Review status: no assertion criteria provided. Collection method: clinical testing. Allele origin: germline. Affected: yes. Study: VKGL Data-share Consensus. Not counted in ClinVar's aggregate classification.

Clinical Genetics, Academic Medical Center
Classification: Uncertain significance. Review status: no assertion criteria provided. Collection method: clinical testing. Allele origin: germline. Affected: yes. Study: VKGL Data-share Consensus. Not counted in ClinVar's aggregate classification.

Laboratory of Diagnostic Genome Analysis, Leiden University Medical Center (LUMC)
Classification: Uncertain significance. Review status: no assertion criteria provided. Collection method: clinical testing. Allele origin: germline. Affected: yes. Study: VKGL Data-share Consensus. Not counted in ClinVar's aggregate classification.

NM_022773.4(LMF1):c.1405G>A (p.Ala469Thr)

Gene: LMF1 (lipase maturation factor 1; minus strand). Cytogenetic location: 16p13.3.
Variant type: single nucleotide variant.
Coding change: c.1405G>A on transcript NM_022773.4 (MANE Select); coding-DNA position 1405, G replaced by A.
Protein change: p.Ala469Thr; replaces alanine 469 with threonine.
Molecular consequence: missense variant. On other transcripts: non-coding transcript variant (1), intron variant (1).
Genome position (GRCh38, 1-based): chr16:869,894, C>T on the plus strand (G>A on the coding strand, the complement: LMF1 is on the minus strand). VCF-style: chr16-869894-C-T. GRCh37 (hg19) VCF-style: chr16-919894-C-T.
Other names: c.754G>A, p.Ala252Thr (NM_001352017.2, NM_001352021.2); c.1006G>A, p.Ala336Thr (NM_001352018.2); c.1078G>A, p.Ala360Thr (NM_001352019.2); c.1336+69G>A (NM_001352020.1); short protein forms A252T, A336T, A360T, A469T.
Identifiers: ClinVar variation 1090695 (VCV001090695.21), dbSNP rs181731943, ClinGen allele CA7797043.